The following is an entry in ClinVar:

NM_015450.3(POT1):c.10-322T>G

Gene: POT1 (protection of telomeres 1; minus strand). Cytogenetic location: 7q31.33.
Variant type: single nucleotide variant.
Coding change: c.10-322T>G on transcript NM_015450.3 (MANE Select); 322 bases into the intron before coding-DNA position 10, T replaced by G.
Molecular consequence: intron variant.
Genome position (GRCh38, 1-based): chr7:124,892,702, A>C on the plus strand (T>G on the coding strand, the complement: POT1 is on the minus strand). VCF-style: chr7-124892702-A-C. GRCh37 (hg19) VCF-style: chr7-124532756-A-C.
Other names: c.-253-322T>G (NM_001042594.2).
Identifiers: ClinVar variation 5027176 (VCV005027176.1).

ClinVar aggregate classification (germline): Likely pathogenic (1 of 4 stars; one submission).

Conditions:
Hereditary cancer-predisposing syndrome. Also called: Neoplastic Syndromes, Hereditary; Tumor predisposition; Hereditary neoplastic syndrome; Hereditary Cancer Syndrome. Identifiers: Orphanet 140162, MedGen C0027672, MeSH D009386, MONDO:0015356.

Submission:

Ambry Genetics
Classification: Likely pathogenic for Hereditary cancer-predisposing syndrome. Last evaluated: 2026-09-04. Review status: criteria provided, single submitter. Criteria: Ambry Variant Classification Scheme 2023. Collection method: clinical testing. Allele origin: germline.
Comment: The c.10-322T>G intronic variant results from a T to G substitution 322 nucleotides upstream from coding exon 2 in the POT1 gene. This nucleotide position is well conserved in available vertebrate species. In silico splice site analysis predicts that this alteration will result in the creation or strengthening of a novel splice donor site. RNA studies have demonstrated that this variant results in abnormal splicing in the set of samples tested (Ambry internal data). Based on the majority of available evidence to date, this variant is likely to be pathogenic.